The following is an entry in ClinVar:

ClinVar aggregate classification (germline): Uncertain significance. Review status: criteria provided, multiple submitters, no conflicts (2 of 4 stars). 4 submissions from 4 submitters: Uncertain significance (3). 1 of the submissions does not count toward it. Last evaluated 2025-02-05.

Conditions:
beta Thalassemia (BTHAL). Also called: Cooley's anemia; Erythroblastic anemia; Mediterranean anemia. Identifiers: Orphanet 848, MedGen C0005283, MONDO:0019402. Disease mechanism: loss of function.

Allele frequency attached by ClinVar (database versions not stated): gnomAD exomes below 0.00001.
gnomAD v4.1: 4 of 1,613,874 alleles (0.00025%); highest among the groups gnomAD compares: Non-Finnish European, 0.00034%; no homozygotes.

Submissions (4):

ARUP Laboratories, Molecular Genetics and Genomics, ARUP Laboratories
Classification: Uncertain significance. Last evaluated: 2025-02-05. Review status: criteria provided, single submitter. Criteria: ARUP Molecular Germline Variant Investigation Process 2024. Collection method: clinical testing. Allele origin: germline.
Comment: The Hb Sinai-Baltimore variant (HBB: c.56T>G; p.Val19Gly, also known as Val18Gly when numbered from the mature protein, rs35382661, HbVar ID: 253) is reported in the literature in individuals with mild to no clinical symptoms (Pobedimskaya 1993, Smith 2013, Smith 2016). However, its phenotype when found with other pathogenic globin variants is uncertain. This variant is only observed on one allele in the Genome Aggregation Database (v2.1.1), indicating it is not a common polymorphism. Computational analyses predict that this variant is deleterious (REVEL: 0.971), and functional analyses show the variant is unstable (Smith 2013, Scheps 2020). Due to limited information, the clinical significance of this variant is uncertain at this time. References: Link to HbVar database: Pobedimskaya DD et al. Hb Sinai-Baltimore or alpha 2 beta (2)18(A15)Val->Gly, a silent, mildly unstable beta chain variant detected by isoelectrofocusing and high performance liquid chromatography. Hemoglobin. 1993 Dec;17(6):505-12. PMID: 8144351. Scheps et al. Curating the gnomAD database: Report of novel variants in the globin-coding genes and bioinformatics analysis. Hum Mutat. 2020 Jan;41(1):81-102. PMID: 31553106. Smith G et al. Identification of a rare variant haemoglobin (Hb Sinai-Baltimore) causing spuriously low haemoglobin A(1c) values on ion exchange chromatography. Ann Clin Biochem. 2013 Jan;50(Pt 1):83-6. PMID: 23129722. Smith DL et al. Characterization of the HBB: c.*233G?>?C Variant: No Evidence of a Beta-Thalassemic Phenotype. Hemoglobin. 2016;40(1):25-8. PMID: 26524961.

Women's Health and Genetics/Laboratory Corporation of America, LabCorp
Classification: Uncertain significance. Last evaluated: 2020-07-16. Review status: criteria provided, single submitter. Criteria: LabCorp Variant Classification Summary - May 2015. Collection method: clinical testing. Allele origin: germline.
Comment: Variant summary: HBB c.56T>G (p.Val19Gly) results in a non-conservative amino acid change in the encoded protein sequence. Five of five in-silico tools predict a damaging effect of the variant on protein function. The variant allele was found at a frequency of 4e-06 in 251262 control chromosomes (gnomAD). The available data on variant occurrences in the general population are insufficient to allow any conclusion about variant significance. c.56T>G has been reported in the literature but the carriers were found to have a mild or no phenotype (Pobedimskaya_1993, Smith_2016). Spuriously low values of HbA1c was also noted in an individual carrying this variant (Smith_2013). These reports however, do not provide unequivocal conclusions about association of the variant with Hemoglobinopathy. The variant was found to be unstable in functional studies (Pobedimskaya_1993, Scheps_2019). One other ClinVar submitter (evaluation after 2014) cite the variant as uncertain significance. Based on the evidence outlined above, the variant was classified as uncertain significance.

Quest Diagnostics Nichols Institute San Juan Capistrano
Classification: Uncertain significance. Last evaluated: 2020-02-06. Review status: criteria provided, single submitter. Criteria: Quest Diagnostics criteria. Collection method: clinical testing. Allele origin: unknown.

Natera, Inc.
Classification: Uncertain significance for Beta thalassemia. Last evaluated: 2020-12-27. Review status: no assertion criteria provided. Collection method: clinical testing. Allele origin: germline. Not counted in ClinVar's aggregate classification.

Literature cited by the submitters: PubMed 8144351 (cited by Women's Health and Genetics/Laboratory Corporation of America, LabCorp and Quest Diagnostics Nichols Institute San Juan Capistrano); PubMed 19429541 (cited by Women's Health and Genetics/Laboratory Corporation of America, LabCorp and Quest Diagnostics Nichols Institute San Juan Capistrano); PubMed 26524961 (cited by Women's Health and Genetics/Laboratory Corporation of America, LabCorp and Quest Diagnostics Nichols Institute San Juan Capistrano); PubMed 23129722 (cited by Women's Health and Genetics/Laboratory Corporation of America, LabCorp and Quest Diagnostics Nichols Institute San Juan Capistrano); PubMed 31553106 (cited by Women's Health and Genetics/Laboratory Corporation of America, LabCorp and Quest Diagnostics Nichols Institute San Juan Capistrano).

NM_000518.5(HBB):c.56T>G (p.Val19Gly)

Genes: HBB (hemoglobin subunit beta; minus strand), LOC106099062 (HBB recombination region; plus strand), LOC107133510 (origin of replication at HBB; plus strand). Cytogenetic location: 11p15.4.
Variant type: single nucleotide variant.
Coding change: c.56T>G on transcript NM_000518.5 (MANE Select); coding-DNA position 56, T replaced by G.
Protein change: p.Val19Gly; replaces valine 19 with glycine.
Molecular consequence: missense variant.
Genome position (GRCh38, 1-based): chr11:5,226,966, A>C on the plus strand (T>G on the coding strand, the complement: HBB is on the minus strand). VCF-style: chr11-5226966-A-C. GRCh37 (hg19) VCF-style: chr11-5248196-A-C.
Other names: short protein forms V19G.
Identifiers: ClinVar variation 496000 (VCV000496000.7), dbSNP rs35382661, ClinGen allele CA217115344.